The following is an entry in ClinVar:

NM_001289125.3(IFNAR2):c.1178G>A (p.Gly393Glu)

Genes: IFNAR2 (interferon alpha and beta receptor subunit 2; plus strand), IFNAR2-IL10RB (IFNAR2-IL10RB readthrough; plus strand). Cytogenetic location: 21q22.11.
Variant type: single nucleotide variant.
Coding change: c.1178G>A on transcript NM_001289125.3 (MANE Select); coding-DNA position 1178, G replaced by A.
Protein change: p.Gly393Glu; replaces glycine 393 with glutamic acid.
Molecular consequence: missense variant. On other transcripts: 3 prime UTR variant (5).
Genome position (GRCh38, 1-based): chr21:33,263,130, G>A. VCF-style: chr21-33263130-G-A. GRCh37 (hg19) VCF-style: chr21-34635435-G-A.
Other names: c.1178G>A, p.Gly393Glu (NM_207585.3, NM_001385055.1); c.1178G>A (NM_207585.1); c.*414G>A (NM_000874.5, NM_207584.3); c.*327G>A (NM_001289126.2, NM_001289128.2); c.*553G>A (NM_001385054.1); short protein forms G393E.
Identifiers: ClinVar variation 1937668 (VCV001937668.5), dbSNP rs1449154331, ClinGen allele CA410105333.

ClinVar aggregate classification (germline): Uncertain significance. Review status: criteria provided, multiple submitters, no conflicts (2 of 4 stars). 2 submissions from 2 submitters: Uncertain significance (2). Last evaluated 2024-10-07.

Allele frequency attached by ClinVar (database versions not stated): gnomAD exomes below 0.00001.
gnomAD v4.1: 2 of 1,614,166 alleles (0.00012%); highest among the groups gnomAD compares: Non-Finnish European, 0.00017%; no homozygotes.

Submissions (2):

Ambry Genetics
Classification: Uncertain significance. Last evaluated: 2024-10-07. Review status: criteria provided, single submitter. Criteria: Ambry Variant Classification Scheme 2023. Collection method: clinical testing. Allele origin: germline.

Labcorp Genetics (formerly Invitae), Labcorp
Classification: Uncertain significance. Last evaluated: 2024-06-17. Review status: criteria provided, single submitter. Criteria: Invitae Variant Classification Sherloc (09022015). Collection method: clinical testing. Allele origin: germline.
Comment: This sequence change replaces glycine, which is neutral and non-polar, with glutamic acid, which is acidic and polar, at codon 393 of the IFNAR2 protein (p.Gly393Glu). This variant is not present in population databases (gnomAD no frequency). This variant has not been reported in the literature in individuals affected with IFNAR2-related conditions. ClinVar contains an entry for this variant (Variation ID: 1937668). Algorithms developed to predict the effect of missense changes on protein structure and function output the following: SIFT: "Not Available"; PolyPhen-2: "Benign"; Align-GVGD: "Not Available". The glutamic acid amino acid residue is found in multiple mammalian species, which suggests that this missense change does not adversely affect protein function. In summary, the available evidence is currently insufficient to determine the role of this variant in disease. Therefore, it has been classified as a Variant of Uncertain Significance.